The following is an entry in ClinVar:

ClinVar aggregate classification (germline): Likely benign (0 of 4 stars; one submission).

Conditions:
TNC-related disorder. Also called: TNC-related condition.

Allele frequency attached by ClinVar (database versions not stated): gnomAD 0.00001; TOPMed 0.00001; gnomAD exomes 0.00002; ESP Exome Variant Server 0.00008.
gnomAD v4.1: 13 of 1,613,792 alleles (0.00081%); highest among the groups gnomAD compares: African/African-American, 0.0013%; no homozygotes.

Submission:

PreventionGenetics, part of Exact Sciences
Classification: Likely benign for TNC-related condition. Last evaluated: 2020-12-18. Review status: no assertion criteria provided. Collection method: clinical testing. Allele origin: germline.
Comment: This variant is classified as likely benign based on ACMG/AMP sequence variant interpretation guidelines (Richards et al. 2015 PMID: 25741868, with internal and published modifications).

NM_002160.4(TNC):c.6073-4A>G

Gene: TNC (tenascin C; minus strand). Cytogenetic location: 9q33.1.
Variant type: single nucleotide variant.
Coding change: c.6073-4A>G on transcript NM_002160.4 (MANE Select); 4 bases into the intron before coding-DNA position 6073, A replaced by G.
Molecular consequence: intron variant.
Genome position (GRCh38, 1-based): chr9:115,029,460, T>C on the plus strand (A>G on the coding strand, the complement: TNC is on the minus strand). VCF-style: chr9-115029460-T-C. GRCh37 (hg19) VCF-style: chr9-117791739-T-C.
Other names: c.5527-4A>G (NM_001410991.1).
Identifiers: ClinVar variation 3059146 (VCV003059146.2), dbSNP rs367685240, ClinGen allele CA198679316.
Genomic context (GRCh38, chr9:115,029,460, plus strand): 5'-ATATGCCTTCCAGTTTTGGTAGAAGTTCTCGCGTCCGTTTTTGCGTCTCAGGAACACCTA[T>C]AAACATATCGATGAATCTGGGTGTACTTAAGCTATTGCAGGAAAGAGGGCATCGTTGTGA-3'